The following is an entry in ClinVar:

ClinVar aggregate classification (germline): Uncertain significance (1 of 4 stars; one submission).

Submission:

Labcorp Genetics (formerly Invitae), Labcorp
Classification: Uncertain significance. Last evaluated: 2019-10-29. Review status: criteria provided, single submitter. Criteria: Invitae Variant Classification Sherloc (09022015). Collection method: clinical testing. Allele origin: germline.
Comment: This sequence change replaces threonine with serine at codon 880 of the CTNNA1 protein (p.Thr880Ser). The threonine residue is highly conserved and there is a small physicochemical difference between threonine and serine. This variant is not present in population databases (ExAC no frequency). This variant has not been reported in the literature in individuals with CTNNA1-related conditions. Algorithms developed to predict the effect of missense changes on protein structure and function are either unavailable or do not agree on the potential impact of this missense change (SIFT: "Deleterious"; PolyPhen-2: "Benign"; Align-GVGD: "Class C0"). In summary, the available evidence is currently insufficient to determine the role of this variant in disease. Therefore, it has been classified as a Variant of Uncertain Significance.

NM_001903.5(CTNNA1):c.2639C>G (p.Thr880Ser)

Gene: CTNNA1 (catenin alpha 1; plus strand). Cytogenetic location: 5q31.2.
Variant type: single nucleotide variant.
Coding change: c.2639C>G on transcript NM_001903.5 (MANE Select); coding-DNA position 2639, C replaced by G.
Protein change: p.Thr880Ser; replaces threonine 880 with serine.
Molecular consequence: missense variant. On other transcripts: 3 prime UTR variant (5).
Genome position (GRCh38, 1-based): chr5:138,934,007, C>G. VCF-style: chr5-138934007-C-G. GRCh37 (hg19) VCF-style: chr5-138269696-C-G.
Other names: c.*184C>G (NM_001290307.3, NM_001324002.1, NM_001324003.1 and 2 more transcripts); c.2330C>G, p.Thr777Ser (NM_001290309.3); c.2270C>G, p.Thr757Ser (NM_001290310.3); c.1529C>G, p.Thr510Ser (NM_001290312.1, NM_001323987.1, NM_001323988.1 and 12 more transcripts); c.2639C>G, p.Thr880Ser (NM_001323982.2, NM_001323983.1, NM_001323984.2); c.2612C>G, p.Thr871Ser (NM_001323985.2); c.2546C>G, p.Thr849Ser (NM_001323986.2); c.1394C>G, p.Thr465Ser (NM_001324001.1); and 3 more; short protein forms T465S, T871S, T880S, T510S, T757S, T777S, T429S, T397S.
Identifiers: ClinVar variation 967505 (VCV000967505.9), dbSNP rs758854772, ClinGen allele CA361135667.